The following is an entry in ClinVar:

NM_018294.6(CWF19L1):c.685G>T (p.Val229Phe)

Gene: CWF19L1 (CWF19 like cell cycle control factor 1; minus strand). Cytogenetic location: 10q24.31.
Variant type: single nucleotide variant.
Coding change: c.685G>T on transcript NM_018294.6 (MANE Select); coding-DNA position 685, G replaced by T.
Protein change: p.Val229Phe; replaces valine 229 with phenylalanine.
Molecular consequence: missense variant. On other transcripts: 5 prime UTR variant (1).
Genome position (GRCh38, 1-based): chr10:100,250,271, C>A on the plus strand (G>T on the coding strand, the complement: CWF19L1 is on the minus strand). VCF-style: chr10-100250271-C-A. GRCh37 (hg19) VCF-style: chr10-102010028-C-A.
Other names: c.685G>T, p.Val229Phe (NM_001303404.2); c.274G>T, p.Val92Phe (NM_001303405.2, NM_001303406.2); c.-51G>T (NM_001303407.2); short protein forms V229F, V92F.
Identifiers: ClinVar variation 427092 (VCV000427092.2), dbSNP rs761174120, ClinGen allele CA378156395.

ClinVar aggregate classification (germline): Likely pathogenic (1 of 4 stars; one submission).

Submission:

GeneDx
Classification: Likely pathogenic. Last evaluated: 2015-06-16. Review status: criteria provided, single submitter. Criteria: GeneDx Variant Classification (06012015). Collection method: clinical testing. Allele origin: germline. Affected: yes.
Comment: The V229F variant in the CWF19L1 gene has not been published as a pathogenic variant, nor has it been reported as a benign polymorphism to our knowledge. The V229F variant was not observed in approximately 6,500 individuals of European and African American ancestry in the NHLBI Exome Sequencing Project, indicating it is not a common benign variant in these populations. The V229F variant is a semi-conservative amino acid substitution, which may impact secondary protein structure as these residues differ in some properties. This substitution occurs at a position that is conserved across species. In silico analysis predicts this variant is probably damaging to the protein structure/function. The V229F variant is a strong candidate for a disease-causing variant, however the possibility it may be a rare benign variant cannot be excluded.